The following is an entry in ClinVar:

NM_152383.5(DIS3L2):c.1759C>T (p.Leu587Phe)

Gene: DIS3L2 (DIS3 like 3'-5' exoribonuclease 2; plus strand). Cytogenetic location: 2q37.1.
Variant type: single nucleotide variant.
Coding change: c.1759C>T on transcript NM_152383.5 (MANE Select); coding-DNA position 1759, C replaced by T.
Protein change: p.Leu587Phe; replaces leucine 587 with phenylalanine.
Molecular consequence: missense variant. On other transcripts: intron variant (1).
Genome position (GRCh38, 1-based): chr2:232,329,832, C>T. VCF-style: chr2-232329832-C-T. GRCh37 (hg19) VCF-style: chr2-233194542-C-T.
Other names: c.1582-13513C>T (NM_001257281.2); short protein forms L587F.
Identifiers: ClinVar variation 1468463 (VCV001468463.8), dbSNP rs1695681505, ClinGen allele CA350975961.
Genomic context (GRCh38, chr2:232,329,832, plus strand): 5'-CAAACCCCAGCGGTCCCTCCCATCCCACCCACCCTCTGCAGGCTCGTGGAGGAGTTCATG[C>T]TCTTGGCCAACATGGCAGTGGCCCACAAGATCCACCGCGCCTTCCCCGAGCAGGCCCTGC-3'
Protein context (NP_689596.4, residues 577-597): ESNKLVEEFM[Leu587Phe]LANMAVAHKI

ClinVar aggregate classification (germline): Uncertain significance (1 of 4 stars; one submission).

Conditions:
Perlman syndrome (PRLMNS). Identifiers: Orphanet 2849, MedGen C0796113, MONDO:0009965, OMIM 267000.

Submission:

Labcorp Genetics (formerly Invitae), Labcorp
Classification: Uncertain significance for Perlman syndrome. Last evaluated: 2021-01-19. Review status: criteria provided, single submitter. Criteria: Invitae Variant Classification Sherloc (09022015). Collection method: clinical testing. Allele origin: germline.
Comment: This sequence change replaces leucine with phenylalanine at codon 587 of the DIS3L2 protein (p.Leu587Phe). The leucine residue is highly conserved and there is a small physicochemical difference between leucine and phenylalanine. This variant is not present in population databases (ExAC no frequency). This variant has not been reported in the literature in individuals with DIS3L2-related conditions. Algorithms developed to predict the effect of missense changes on protein structure and function are either unavailable or do not agree on the potential impact of this missense change (SIFT: "Deleterious"; PolyPhen-2: "Probably Damaging"; Align-GVGD: "Class C15"). In summary, the available evidence is currently insufficient to determine the role of this variant in disease. Therefore, it has been classified as a Variant of Uncertain Significance.